The following is an entry in ClinVar:

NM_054027.6(ANKH):c.*10C>A

Genes: ANKH (ANKH inorganic pyrophosphate transport regulator; minus strand), OTULIN (OTU deubiquitinase with linear linkage specificity; plus strand). Cytogenetic location: 5p15.2.
Variant type: single nucleotide variant.
Coding change: c.*10C>A on transcript NM_054027.6 (MANE Select); 10 bases downstream of the stop codon, C replaced by A.
Molecular consequence: 3 prime UTR variant.
Genome position (GRCh38, 1-based): chr5:14,711,187, G>T on the plus strand (C>A on the coding strand, the complement: ANKH is on the minus strand). VCF-style: chr5-14711187-G-T. GRCh37 (hg19) VCF-style: chr5-14711296-G-T.
Identifiers: ClinVar variation 3042442 (VCV003042442.2), dbSNP rs750571370, ClinGen allele CA1528877816.
Genomic context (GRCh38, chr5:14,711,187, plus strand): 5'-AGAGGGAAGAGATGATGCCGAAGTGTCATCCTGACTGACTGTCCCTGCAGTGCCCATGGC[G>T]TCCCGTGCCTTATTCATTCTCCTCTCTCATTTCCACGATGTCTGTCACCTCCTCTGTCGG-3'

ClinVar aggregate classification (germline): Likely benign (0 of 4 stars; one submission).

Conditions:
ANKH-related disorder. Also called: ANKH-Related Disorders; ANKH-related condition.

gnomAD v4.1: 4 of 1,607,448 alleles (0.00025%); highest among the groups gnomAD compares: South Asian, 0.0033%; no homozygotes.

Submission:

PreventionGenetics, part of Exact Sciences
Classification: Likely benign for ANKH-related condition. Last evaluated: 2019-07-01. Review status: no assertion criteria provided. Collection method: clinical testing. Allele origin: germline.
Comment: This variant is classified as likely benign based on ACMG/AMP sequence variant interpretation guidelines (Richards et al. 2015 PMID: 25741868, with internal and published modifications).